The following is an entry in ClinVar:

NM_004385.5(VCAN):c.7712C>T (p.Thr2571Ile)

Genes: VCAN (versican; plus strand), VCAN-AS1 (VCAN antisense RNA 1; minus strand). Cytogenetic location: 5q14.3.
Variant type: single nucleotide variant.
Coding change: c.7712C>T on transcript NM_004385.5 (MANE Select); coding-DNA position 7712, C replaced by T.
Protein change: p.Thr2571Ile; replaces threonine 2571 with isoleucine.
Molecular consequence: missense variant. On other transcripts: intron variant (2).
Genome position (GRCh38, 1-based): chr5:83,540,715, C>T. VCF-style: chr5-83540715-C-T. GRCh37 (hg19) VCF-style: chr5-82836534-C-T.
Other names: c.4751C>T, p.Thr1584Ile (NM_001164097.2); c.4004-4822C>T (NM_001164098.2); c.1043-4822C>T (NM_001126336.3); short protein forms T2571I, T1584I.
Identifiers: ClinVar variation 1973951 (VCV001973951.5), dbSNP rs2479119933, ClinGen allele CA360315334.

ClinVar aggregate classification (germline): Uncertain significance (1 of 4 stars; one submission).

Submission:

Labcorp Genetics (formerly Invitae), Labcorp
Classification: Uncertain significance. Last evaluated: 2025-01-23. Review status: criteria provided, single submitter. Criteria: Invitae Variant Classification Sherloc (09022015). Collection method: clinical testing. Allele origin: germline.
Comment: This sequence change replaces threonine, which is neutral and polar, with isoleucine, which is neutral and non-polar, at codon 2571 of the VCAN protein (p.Thr2571Ile). This variant is not present in population databases (gnomAD no frequency). This variant has not been reported in the literature in individuals affected with VCAN-related conditions. ClinVar contains an entry for this variant (Variation ID: 1973951). An algorithm developed to predict the effect of missense changes on protein structure and function (PolyPhen-2) suggests that this variant is likely to be disruptive. In summary, the available evidence is currently insufficient to determine the role of this variant in disease. Therefore, it has been classified as a Variant of Uncertain Significance.